The following is an entry in ClinVar:

NM_001018005.2(TPM1):c.115-331C>G

Gene: TPM1 (tropomyosin 1; plus strand). Cytogenetic location: 15q22.2.
Variant type: single nucleotide variant.
Coding change: c.115-331C>G on transcript NM_001018005.2 (MANE Select); 331 bases into the intron before coding-DNA position 115, C replaced by G.
Molecular consequence: intron variant.
Genome position (GRCh38, 1-based): chr15:63,043,696, C>G. VCF-style: chr15-63043696-C-G. GRCh37 (hg19) VCF-style: chr15-63335895-C-G.
Other names: c.115-10C>G (NM_001365778.1, NM_001018020.2, NM_001018007.2 and 1 more transcripts); c.115-331C>G (NM_001018006.2, NM_001365776.1, NM_001018004.2 and 3 more transcripts).
Identifiers: ClinVar variation 924126 (VCV000924126.4), dbSNP rs562829514, ClinGen allele CA618528750.

ClinVar aggregate classification (germline): Conflicting classifications of pathogenicity. Review status: criteria provided, conflicting classifications (1 of 4 stars). 2 submissions from 2 submitters: Uncertain significance (1); Likely benign (1). Last evaluated 2022-06-01.

Conditions:
Cardiomyopathy (CMYO). Also called: Cardiomyopathies. Identifiers: Orphanet 167848, MedGen C0878544, MONDO:0004994, HP:0001638. Inheritance: Various modes of inheritance.

Allele frequency attached by ClinVar (database versions not stated): TOPMed 0.00001.
gnomAD v4.1: 11 of 1,544,222 alleles (0.00071%); highest among the groups gnomAD compares: Non-Finnish European, 0.00096%; no homozygotes.

Submissions (2):

GeneDx
Classification: Uncertain significance. Last evaluated: 2022-06-01. Review status: criteria provided, single submitter. Criteria: GeneDx Variant Classification Process June 2021. Collection method: clinical testing. Allele origin: germline. Affected: yes.
Comment: Has not been previously published as pathogenic or benign to our knowledge; In-silico analysis is inconclusive as to whether the variant alters gene splicing; in the absence of RNA/functional studies, the actual effect of this sequence change is unknown; Reported using an alternate transcript of the gene

Color Diagnostics, LLC DBA Color Health
Classification: Likely benign for Cardiomyopathy. Last evaluated: 2019-03-30. Review status: criteria provided, single submitter. Criteria: ACMG Guidelines, 2015. Collection method: clinical testing. Allele origin: germline.